The following is an entry in ClinVar:

NM_022124.6(CDH23):c.7115dup (p.Arg2373fs)

Gene: CDH23 (cadherin related 23; plus strand). Cytogenetic location: 10q22.1.
Variant type: Duplication.
Coding change: c.7115dup on transcript NM_022124.6 (MANE Select); coding-DNA position 7115, one base duplicated (T; older notation c.7115dupT).
Protein change: p.Arg2373fs; shifts the reading frame from arginine 2373.
Molecular consequence: frameshift variant.
Genome position (GRCh38, 1-based): chr10:71,799,171, T duplicated. VCF-style (leftmost placement, unchanged base first): chr10-71799170-G-GT. GRCh37 (hg19) VCF-style: chr10-73558927-G-GT.
Other names: c.395dup, p.Arg133fs (NM_001171933.1, NM_001171934.1); short protein forms R133fs, R2373fs.
Identifiers: ClinVar variation 1446188 (VCV001446188.6), dbSNP rs2132967767, ClinGen allele CA2573145290.

ClinVar aggregate classification (germline): Pathogenic (1 of 4 stars; one submission).

Submission:

Labcorp Genetics (formerly Invitae), Labcorp
Classification: Pathogenic. Last evaluated: 2022-07-18. Review status: criteria provided, single submitter. Criteria: Invitae Variant Classification Sherloc (09022015). Collection method: clinical testing. Allele origin: germline.
Comment: This variant is not present in population databases (gnomAD no frequency). This variant has not been reported in the literature in individuals affected with CDH23-related conditions. ClinVar contains an entry for this variant (Variation ID: 1446188). For these reasons, this variant has been classified as Pathogenic. This sequence change creates a premature translational stop signal (p.Arg2373Glufs*13) in the CDH23 gene. It is expected to result in an absent or disrupted protein product. Loss-of-function variants in CDH23 are known to be pathogenic (PMID: 11138009, 21940737).

Literature cited by the submitters: PubMed 11138009; PubMed 21940737.